The following is an entry in ClinVar:

ClinVar aggregate classification (germline): Likely benign (1 of 4 stars; one submission).

Conditions:
OR51B6-related condition.

Submission:

PreventionGenetics, part of Exact Sciences
Classification: Likely benign for OR51B6-related condition. Last evaluated: 2024-10-25. Review status: criteria provided, single submitter. Criteria: ACMG Guidelines, 2015. Collection method: clinical testing. Allele origin: germline.
Comment: This variant is classified as likely benign based on ACMG/AMP sequence variant interpretation guidelines (Richards et al. 2015 PMID: 25741868, with internal and published modifications).

NM_001004750.1(OR51B6):c.285C>T (p.Cys95=)

Genes: OR51B5 (olfactory receptor family 51 subfamily B member 5; minus strand), OR51B6 (olfactory receptor family 51 subfamily B member 6; plus strand). Cytogenetic location: 11p15.4.
Variant type: single nucleotide variant.
Coding change: c.285C>T on transcript NM_001004750.1 (MANE Select); coding-DNA position 285, C replaced by T.
Protein change: p.Cys95=; no amino-acid change (cysteine 95 retained).
Molecular consequence: synonymous variant. On other transcripts: intron variant (1).
Genome position (GRCh38, 1-based): chr11:5,351,792, C>T. VCF-style: chr11-5351792-C-T. GRCh37 (hg19) VCF-style: chr11-5373022-C-T.
Other names: c.-359-4882G>A (NM_001005567.3).
Identifiers: ClinVar variation 4982549 (VCV004982549.1).
Genomic context (GRCh38, chr11:5,351,792, plus strand): 5'-AATGCCCACAGTGCTAGGTGTTCTGTGGTTAGATCACAGGGAGATTGGCCATGGAGCCTG[C>T]TTCTCTCAGGCCTATTTTATCCATACTCTTTCTGTCATGGAGTCAGGTGTCTTGCTTGCC-3'
Protein context (NP_001004750.1, residues 85-105): LDHREIGHGA[Cys95=]FSQAYFIHTL